The following is an entry in ClinVar:

NM_001077418.3(TMEM231):c.380A>G (p.Gln127Arg)

Gene: TMEM231 (transmembrane protein 231; minus strand). Cytogenetic location: 16q23.1.
Variant type: single nucleotide variant.
Coding change: c.380A>G on transcript NM_001077418.3 (MANE Select); coding-DNA position 380, A replaced by G.
Protein change: p.Gln127Arg; replaces glutamine 127 with arginine.
Molecular consequence: missense variant. On other transcripts: non-coding transcript variant (1).
Genome position (GRCh38, 1-based): chr16:75,545,884, T>C on the plus strand (A>G on the coding strand, the complement: TMEM231 is on the minus strand). VCF-style: chr16-75545884-T-C. GRCh37 (hg19) VCF-style: chr16-75579782-T-C.
Other names: c.539A>G, p.Gln180Arg (NM_001077416.2); short protein forms Q180R, Q127R.
Identifiers: ClinVar variation 857940 (VCV000857940.1), dbSNP rs1202833405, ClinGen allele CA396807032.
Genomic context (GRCh38, chr16:75,545,884, plus strand): 5'-ACGTGTAATCGATAGGAGAAAGTCAGGATGAGCTGCACACCGAGAACGTGCTCCGTGGAC[T>C]GCAGGGGAAGCTCCAGCTTAAAATGTAACATGTCCGTCTTCCCATCCTGGTTCCTGTCTT-3'
Protein context (NP_001070886.1, residues 117-137): MLHFKLELPL[Gln127Arg]STEHVLGVQL

ClinVar aggregate classification (germline): Uncertain significance (1 of 4 stars; one submission).

Conditions:
Meckel syndrome, type 11 (MKS11). Identifiers: Orphanet 564, MedGen C3809352, MONDO:0014164, OMIM 615397.
Joubert syndrome 20 (JBTS20). Identifiers: Orphanet 475, MedGen C3554235, MONDO:0013994, OMIM 614970.

Submission:

Labcorp Genetics (formerly Invitae), Labcorp
Classification: Uncertain significance for Joubert syndrome 20; Meckel syndrome, type 11. Last evaluated: 2019-12-19. Review status: criteria provided, single submitter. Criteria: Invitae Variant Classification Sherloc (09022015). Collection method: clinical testing. Allele origin: germline.
Comment: This sequence change replaces glutamine with arginine at codon 180 of the TMEM231 protein (p.Gln180Arg). The glutamine residue is moderately conserved and there is a small physicochemical difference between glutamine and arginine. The frequency data for this variant in the population databases is considered unreliable, as metrics indicate insufficient coverage at this position in the ExAC database. This variant has not been reported in the literature in individuals with TMEM231-related conditions. Algorithms developed to predict the effect of missense changes on protein structure and function are either unavailable or do not agree on the potential impact of this missense change (SIFT: "Tolerated"; PolyPhen-2: "Not Available"; Align-GVGD: "Class C0"). In summary, the available evidence is currently insufficient to determine the role of this variant in disease. Therefore, it has been classified as a Variant of Uncertain Significance.